The following is an entry in ClinVar:

NM_001367873.1(SOX6):c.944C>A (p.Ala315Asp)

Gene: SOX6 (SRY-box transcription factor 6; minus strand). Cytogenetic location: 11p15.2.
Variant type: single nucleotide variant.
Coding change: c.944C>A on transcript NM_001367873.1 (MANE Select); coding-DNA position 944, C replaced by A.
Protein change: p.Ala315Asp; replaces alanine 315 with aspartic acid.
Molecular consequence: missense variant.
Genome position (GRCh38, 1-based): chr11:16,097,643, G>T on the plus strand (C>A on the coding strand, the complement: SOX6 is on the minus strand). VCF-style: chr11-16097643-G-T. GRCh37 (hg19) VCF-style: chr11-16119189-G-T.
Other names: c.944C>A, p.Ala315Asp (NM_001145811.2, NM_001145819.2, NM_001367872.1 and 2 more transcripts); short protein forms A315D.
Identifiers: ClinVar variation 2662613 (VCV002662613.1), dbSNP rs2494276226, ClinGen allele CA379875058.

ClinVar aggregate classification (germline): Uncertain significance (1 of 4 stars; one submission).

Submission:

GeneDx
Classification: Uncertain significance. Last evaluated: 2023-09-25. Review status: criteria provided, single submitter. Criteria: GeneDx Variant Classification Process June 2021. Collection method: clinical testing. Allele origin: germline. Affected: yes.
Comment: Not observed at significant frequency in large population cohorts (gnomAD); In silico analysis supports that this missense variant has a deleterious effect on protein structure/function; Has not been previously published as pathogenic or benign to our knowledge